The following is an entry in ClinVar:

NM_015512.5(DNAH1):c.1709G>T (p.Arg570Leu)

Gene: DNAH1 (dynein axonemal heavy chain 1; plus strand). Cytogenetic location: 3p21.1.
Variant type: single nucleotide variant.
Coding change: c.1709G>T on transcript NM_015512.5 (MANE Select); coding-DNA position 1709, G replaced by T.
Protein change: p.Arg570Leu; replaces arginine 570 with leucine.
Molecular consequence: missense variant.
Genome position (GRCh38, 1-based): chr3:52,346,524, G>T. VCF-style: chr3-52346524-G-T. GRCh37 (hg19) VCF-style: chr3-52380540-G-T.
Other names: short protein forms R570L.
Identifiers: ClinVar variation 959259 (VCV000959259.8), dbSNP rs771126013, ClinGen allele CA353092795.

ClinVar aggregate classification (germline): Uncertain significance. Review status: criteria provided, multiple submitters, no conflicts (2 of 4 stars). 2 submissions from 2 submitters: Uncertain significance (2). Last evaluated 2025-07-22.

Conditions:
Spermatogenic failure 18. Identifiers: MedGen C4539783, MONDO:0054615, OMIM 617576.
Ciliary dyskinesia, primary, 37 (CILD37). Also called: CILIARY DYSKINESIA, PRIMARY, 37, WITH OR WITHOUT SITUS INVERSUS. Identifiers: MedGen C4539798, MONDO:0033204, OMIM 617577.

gnomAD v4.1: 3 of 1,613,600 alleles (0.00019%); highest among the groups gnomAD compares: Admixed American, 0.0017%; no homozygotes.

Submissions (2):

GeneDx
Classification: Uncertain significance. Last evaluated: 2025-07-22. Review status: criteria provided, single submitter. Criteria: GeneDx Variant Classification Process June 2021. Collection method: clinical testing. Allele origin: germline. Affected: yes.
Comment: Not observed at significant frequency in large population cohorts (gnomAD); In silico analysis supports that this missense variant has a deleterious effect on protein structure/function; Has not been previously published as pathogenic or benign to our knowledge

Labcorp Genetics (formerly Invitae), Labcorp
Classification: Uncertain significance for Ciliary dyskinesia, primary, 37; Spermatogenic failure 18. Last evaluated: 2019-08-21. Review status: criteria provided, single submitter. Criteria: Invitae Variant Classification Sherloc (09022015). Collection method: clinical testing. Allele origin: germline.
Comment: Algorithms developed to predict the effect of missense changes on protein structure and function are either unavailable or do not agree on the potential impact of this missense change (SIFT: "Deleterious"; PolyPhen-2: "Benign"; Align-GVGD: "Class C0"). This variant has not been reported in the literature in individuals with DNAH1-related conditions. This variant is not present in population databases (ExAC no frequency). This sequence change replaces arginine with leucine at codon 570 of the DNAH1 protein (p.Arg570Leu). The arginine residue is moderately conserved and there is a moderate physicochemical difference between arginine and leucine. In summary, the available evidence is currently insufficient to determine the role of this variant in disease. Therefore, it has been classified as a Variant of Uncertain Significance.